The following is an entry in ClinVar:

NM_000336.3(SCNN1B):c.1279T>C (p.Tyr427His)

Gene: SCNN1B (sodium channel epithelial 1 subunit beta; plus strand). Cytogenetic location: 16p12.2.
Variant type: single nucleotide variant.
Coding change: c.1279T>C on transcript NM_000336.3 (MANE Select); coding-DNA position 1279, T replaced by C.
Protein change: p.Tyr427His; replaces tyrosine 427 with histidine.
Molecular consequence: missense variant.
Genome position (GRCh38, 1-based): chr16:23,377,173, T>C. VCF-style: chr16-23377173-T-C. GRCh37 (hg19) VCF-style: chr16-23388494-T-C.
Other names: c.1171T>C, p.Tyr391His (NM_001410900.1); c.1279T>C (NM_000336.2); short protein forms Y391H, Y427H.
Identifiers: ClinVar variation 2183889 (VCV002183889.5), dbSNP rs753788959, ClinGen allele CA7960452.

ClinVar aggregate classification (germline): Uncertain significance. Review status: criteria provided, multiple submitters, no conflicts (2 of 4 stars). 2 submissions from 2 submitters: Uncertain significance (2). Last evaluated 2025-08-14.

Conditions:
Inborn genetic diseases. Identifiers: MedGen C0950123, MeSH D030342.

Allele frequency attached by ClinVar (database versions not stated): gnomAD exomes below 0.00001; ExAC 0.00001; gnomAD 0.00001; TOPMed 0.00001.
gnomAD v4.1: 2 of 1,613,998 alleles (0.00012%); highest among the groups gnomAD compares: Admixed American, 0.0017%; no homozygotes.

Submissions (2):

Ambry Genetics
Classification: Uncertain significance for Inborn genetic diseases. Last evaluated: 2025-08-14. Review status: criteria provided, single submitter. Criteria: Ambry Variant Classification Scheme 2023. Collection method: clinical testing. Allele origin: germline.

Labcorp Genetics (formerly Invitae), Labcorp
Classification: Uncertain significance. Last evaluated: 2022-09-06. Review status: criteria provided, single submitter. Criteria: Invitae Variant Classification Sherloc (09022015). Collection method: clinical testing. Allele origin: germline.
Comment: This sequence change replaces tyrosine, which is neutral and polar, with histidine, which is basic and polar, at codon 427 of the SCNN1B protein (p.Tyr427His). This variant is present in population databases (rs753788959, gnomAD 0.0009%). This variant has not been reported in the literature in individuals affected with SCNN1B-related conditions. Algorithms developed to predict the effect of missense changes on protein structure and function are either unavailable or do not agree on the potential impact of this missense change (SIFT: "Deleterious"; PolyPhen-2: "Probably Damaging"; Align-GVGD: "Class C15"). In summary, the available evidence is currently insufficient to determine the role of this variant in disease. Therefore, it has been classified as a Variant of Uncertain Significance.